The following is an entry in ClinVar:

NM_000388.4(CASR):c.2300A>C (p.Glu767Ala)

Gene: CASR (calcium sensing receptor; plus strand). Cytogenetic location: 3q21.1.
Variant type: single nucleotide variant.
Coding change: c.2300A>C on transcript NM_000388.4 (MANE Select); coding-DNA position 2300, A replaced by C.
Protein change: p.Glu767Ala; replaces glutamic acid 767 with alanine.
Molecular consequence: missense variant.
Genome position (GRCh38, 1-based): chr3:122,284,254, A>C. VCF-style: chr3-122284254-A-C. GRCh37 (hg19) VCF-style: chr3-122003101-A-C.
Other names: c.2330A>C, p.Glu777Ala (NM_001178065.2); short protein forms E767A, E777A.
Identifiers: ClinVar variation 1053281 (VCV001053281.10), dbSNP rs2107650290, ClinGen allele CA354159401.

ClinVar aggregate classification (germline): Uncertain significance (1 of 4 stars; one submission).

Conditions:
Autosomal dominant hypocalcemia 1 (HYPOC1). Also called: HYPOCALCEMIA, FAMILIAL. Identifiers: MedGen C3715128, MONDO:0011013, OMIM 601198.
Familial hypocalciuric hypercalcemia (FHH). Also called: Familial benign hypercalcemia. Identifiers: Orphanet 405, MedGen C1809471, MONDO:0018458.

Submission:

Labcorp Genetics (formerly Invitae), Labcorp
Classification: Uncertain significance for Familial hypocalciuric hypercalcemia; Autosomal dominant hypocalcemia 1. Last evaluated: 2020-02-12. Review status: criteria provided, single submitter. Criteria: Invitae Variant Classification Sherloc (09022015). Collection method: clinical testing. Allele origin: germline.
Comment: In summary, the available evidence is currently insufficient to determine the role of this variant in disease. Therefore, it has been classified as a Variant of Uncertain Significance. This sequence change replaces glutamic acid with alanine at codon 767 of the CASR protein (p.Glu767Ala). The glutamic acid residue is highly conserved and there is a moderate physicochemical difference between glutamic acid and alanine. This variant is not present in population databases (ExAC no frequency). This variant has not been reported in the literature in individuals with CASR-related conditions. Algorithms developed to predict the effect of missense changes on protein structure and function (SIFT, PolyPhen-2, Align-GVGD) all suggest that this variant is likely to be disruptive, but these predictions have not been confirmed by published functional studies and their clinical significance is uncertain.